The following is an entry in ClinVar:

NM_024513.4(FYCO1):c.*3178G>T

Gene: FYCO1 (FYVE and coiled-coil domain autophagy adaptor 1; minus strand). Cytogenetic location: 3p21.31.
Variant type: single nucleotide variant.
Coding change: c.*3178G>T on transcript NM_024513.4 (MANE Select); 3178 bases downstream of the stop codon, G replaced by T.
Molecular consequence: 3 prime UTR variant.
Genome position (GRCh38, 1-based): chr3:45,918,587, C>A on the plus strand (G>T on the coding strand, the complement: FYCO1 is on the minus strand). VCF-style: chr3-45918587-C-A. GRCh37 (hg19) VCF-style: chr3-45960079-C-A.
Identifiers: ClinVar variation 345445 (VCV000345445.6), dbSNP rs1047444, ClinGen allele CA10616596.

ClinVar aggregate classification (germline): Benign. Review status: criteria provided, multiple submitters, no conflicts (2 of 4 stars). 2 submissions from 2 submitters: Benign (2). Last evaluated 2018-01-12.

Conditions:
Cataract 18 (CATC2). Also called: CATARACT 18, AUTOSOMAL RECESSIVE. Identifiers: Orphanet 91492, Orphanet 98991, Orphanet 98992, Orphanet 98995, MedGen C1864908, MONDO:0012395, OMIM 610019.

Allele frequency attached by ClinVar (database versions not stated): gnomAD exomes 0.50000; TOPMed 0.84882; 1000 Genomes Project 30x 0.92114; 1000 Genomes Project 0.92173.
gnomAD v4.1: 127,187 of 152,108 alleles (84%); highest among the groups gnomAD compares: East Asian, 100%; 53,774 homozygotes.

Submissions (2):

Illumina Laboratory Services, Illumina
Classification: Benign for Cataract 18. Last evaluated: 2018-01-12. Review status: criteria provided, single submitter. Criteria: ICSL Variant Classification Criteria 13 December 2019. Collection method: clinical testing. Allele origin: germline.
Comment: This variant was observed in the ICSL laboratory as part of a predisposition screen in an ostensibly healthy population. It had not been previously curated by ICSL or reported in the Human Gene Mutation Database (HGMD: prior to June 1st, 2018), and was therefore a candidate for classification through an automated scoring system. Utilizing variant allele frequency, disease prevalence and penetrance estimates, and inheritance mode, an automated score was calculated to assess if this variant is too frequent to cause the disease. Based on the score and internal cut-off values, a variant classified as benign is not then subjected to further curation. The score for this variant resulted in a classification of benign for this disease.

Breakthrough Genomics
Classification: Benign. Review status: criteria provided, single submitter. Criteria: ACMG Guidelines, 2015. Collection method: not provided. Allele origin: germline. Inheritance: Autosomal recessive inheritance. Affected: yes.